The following is an entry in ClinVar:

NM_033400.3(ZFHX2):c.2238G>A (p.Pro746=)

Genes: THTPA (thiamine triphosphatase; plus strand), ZFHX2 (zinc finger homeobox 2; minus strand). Cytogenetic location: 14q11.2.
Variant type: single nucleotide variant.
Coding change: c.2238G>A on transcript NM_033400.3 (MANE Select); coding-DNA position 2238, G replaced by A.
Protein change: p.Pro746=; no amino-acid change (proline 746 retained).
Molecular consequence: synonymous variant.
Genome position (GRCh38, 1-based): chr14:23,532,888, C>T on the plus strand (G>A on the coding strand, the complement: ZFHX2 is on the minus strand). VCF-style: chr14-23532888-C-T. GRCh37 (hg19) VCF-style: chr14-24002097-C-T.
Identifiers: ClinVar variation 1879274 (VCV001879274.29), dbSNP rs544551431, ClinGen allele CA7117074.

ClinVar aggregate classification (germline): Likely benign (1 of 4 stars; one submission).

Allele frequency attached by ClinVar (database versions not stated): ExAC 0.00008; gnomAD 0.00031; gnomAD exomes 0.00033; TOPMed 0.00036; 1000 Genomes Project 30x 0.00062; 1000 Genomes Project 0.00080.
gnomAD v4.1: 507 of 1,536,186 alleles (0.033%); highest among the groups gnomAD compares: Non-Finnish European, 0.038%; 1 homozygote.

Submission:

CeGaT Center for Human Genetics Tuebingen
Classification: Likely benign. Last evaluated: 2025-02-01. Review status: criteria provided, single submitter. Criteria: CeGaT Center For Human Genetics Tuebingen Variant Classification Criteria Version 2. Collection method: clinical testing. Allele origin: germline. Affected: yes. Observed: 2 variant alleles.
Comment: ZFHX2: BP4, BP7